The following is an entry in ClinVar:

NM_005444.3(CNOT9):c.679C>A (p.Arg227Ser)

Gene: CNOT9 (CCR4-NOT transcription complex subunit 9; plus strand). Cytogenetic location: 2q35.
Variant type: single nucleotide variant.
Coding change: c.679C>A on transcript NM_005444.3 (MANE Select); coding-DNA position 679, C replaced by A.
Protein change: p.Arg227Ser; replaces arginine 227 with serine.
Molecular consequence: missense variant. On other transcripts: non-coding transcript variant (1).
Genome position (GRCh38, 1-based): chr2:218,592,655, C>A. VCF-style: chr2-218592655-C-A. GRCh37 (hg19) VCF-style: chr2-219457378-C-A.
Other names: c.775C>A, p.Arg259Ser (NM_001271634.2); c.679C>A, p.Arg227Ser (NM_001271635.2); short protein forms R227S, R259S.
Identifiers: ClinVar variation 3383668 (VCV003383668.1).

ClinVar aggregate classification (germline): Uncertain significance (1 of 4 stars; one submission).

Submission:

GeneDx
Classification: Uncertain significance. Last evaluated: 2024-05-31. Review status: criteria provided, single submitter. Criteria: GeneDx Variant Classification Process June 2021. Collection method: clinical testing. Allele origin: germline. Affected: yes.
Comment: Not observed at significant frequency in large population cohorts (gnomAD); In silico analysis supports that this missense variant has a deleterious effect on protein structure/function; Has not been previously published as pathogenic or benign to our knowledge